The following is an entry in ClinVar:

ClinVar aggregate classification (germline): Likely benign. Review status: criteria provided, single submitter (1 of 4 stars). 2 submissions from 2 submitters: Likely benign (1). 1 of the submissions does not count toward it.

Conditions:
CAPN12-related disorder. Also called: CAPN12-related condition.

Submissions (2):

Breakthrough Genomics
Classification: Likely benign. Review status: criteria provided, single submitter. Criteria: ACMG Guidelines, 2015. Collection method: not provided. Allele origin: germline. Inheritance: Unknown mechanism. Affected: yes.

PreventionGenetics, part of Exact Sciences
Classification: Likely benign for CAPN12-related condition. Last evaluated: 2019-09-13. Review status: no assertion criteria provided. Collection method: clinical testing. Allele origin: germline. Not counted in ClinVar's aggregate classification.
Comment: This variant is classified as likely benign based on ACMG/AMP sequence variant interpretation guidelines (Richards et al. 2015 PMID: 25741868, with internal and published modifications).

NM_144691.4(CAPN12):c.1230A>T (p.Ala410=)

Gene: CAPN12 (calpain 12; minus strand). Cytogenetic location: 19q13.2.
Variant type: single nucleotide variant.
Coding change: c.1230A>T on transcript NM_144691.4 (MANE Select); coding-DNA position 1230, A replaced by T.
Protein change: p.Ala410=; no amino-acid change (alanine 410 retained).
Molecular consequence: synonymous variant.
Genome position (GRCh38, 1-based): chr19:38,737,288, T>A on the plus strand (A>T on the coding strand, the complement: CAPN12 is on the minus strand). VCF-style: chr19-38737288-T-A. GRCh37 (hg19) VCF-style: chr19-39227928-T-A.
Identifiers: ClinVar variation 3040929 (VCV003040929.3), dbSNP rs866494898, ClinGen allele CA507356591.